The following is an entry in ClinVar:

NM_003924.4(PHOX2B):c.771_779del (p.Ala258_Ala260del)

Genes: PHOX2B (paired like homeobox 2B; minus strand), LOC110011216 (paired like homeobox 2b polyalanine repeat instability region; plus strand). Cytogenetic location: 4p13.
Variant type: Deletion.
Coding change: c.771_779del on transcript NM_003924.4 (MANE Select); coding-DNA positions 771 to 779, 9 bases deleted (GGCGGCAGC; older notation c.771_779delGGCGGCAGC).
Protein change: p.Ala258_Ala260del.
Molecular consequence: inframe deletion.
Genome position (GRCh38, 1-based): chr4:41,745,973-41,745,981, GCTGCCGCC deleted on the plus strand (GGCGGCAGC on the coding strand, the reverse complement: PHOX2B is on the minus strand); deleting any 9 consecutive bases within chr4:41,745,973-41,745,989 gives the same sequence; the c. name uses the placement nearest the transcript's 3' end. VCF-style (leftmost placement, unchanged base first): chr4-41745972-AGCTGCCGCC-A. GRCh37 (hg19) VCF-style: chr4-41747989-AGCTGCCGCC-A.
Other names: c.771_779delGGCGGCAGC (NM_003924.3).
Identifiers: ClinVar variation 467744 (VCV000467744.12), dbSNP rs764220516, ClinGen allele CA2901423.

ClinVar aggregate classification (germline): Conflicting classifications of pathogenicity. Review status: criteria provided, conflicting classifications (1 of 4 stars). 2 submissions from 2 submitters: Uncertain significance (1); Likely benign (1). Last evaluated 2025-07-07.

Conditions:
Haddad syndrome (OHD). Also called: Ondine-Hirschsprung disease. Identifiers: Orphanet 99803, MedGen C1859049, MONDO:0020493.

Submissions (2):

Labcorp Genetics (formerly Invitae), Labcorp
Classification: Likely benign for Haddad syndrome. Last evaluated: 2025-07-07. Review status: criteria provided, single submitter. Criteria: Invitae Variant Classification Sherloc (09022015). Collection method: clinical testing. Allele origin: germline.

GeneDx
Classification: Uncertain significance. Last evaluated: 2024-03-20. Review status: criteria provided, single submitter. Criteria: GeneDx Variant Classification Process June 2021. Collection method: clinical testing. Allele origin: germline. Affected: yes.
Comment: In-frame deletion of 3 amino acids in a repetitive region with no known function; In silico analysis supports that this variant does not alter protein structure/function; Has not been previously published as pathogenic or benign to our knowledge